The following is an entry in ClinVar:

ClinVar aggregate classification (germline): Likely benign (0 of 4 stars; one submission).

Conditions:
ZNF674-related disorder. Also called: ZNF674-related condition.

Allele frequency attached by ClinVar (database versions not stated): gnomAD exomes 0.00022; TOPMed 0.00034; ESP Exome Variant Server 0.00051.
gnomAD v4.1: 273 of 1,209,763 alleles (0.023%); highest among the groups gnomAD compares: Non-Finnish European, 0.026%; no homozygotes.

Submission:

PreventionGenetics, part of Exact Sciences
Classification: Likely benign for ZNF674-related condition. Last evaluated: 2019-09-23. Review status: no assertion criteria provided. Collection method: clinical testing. Allele origin: germline.
Comment: This variant is classified as likely benign based on ACMG/AMP sequence variant interpretation guidelines (Richards et al. 2015 PMID: 25741868, with internal and published modifications).

NM_001190417.2(ZNF674):c.1014G>A (p.Thr338=)

Gene: ZNF674 (zinc finger protein 674; minus strand). Cytogenetic location: Xp11.3.
Variant type: single nucleotide variant.
Coding change: c.1014G>A on transcript NM_001190417.2 (MANE Select); coding-DNA position 1014, G replaced by A.
Protein change: p.Thr338=; no amino-acid change (threonine 338 retained).
Molecular consequence: synonymous variant.
Genome position (GRCh38, 1-based): chrX:46,500,560, C>T on the plus strand (G>A on the coding strand, the complement: ZNF674 is on the minus strand). VCF-style: chrX-46500560-C-T. GRCh37 (hg19) VCF-style: chrX-46359995-C-T.
Other names: c.1029G>A, p.Thr343= (NM_001039891.3); c.1011G>A, p.Thr337= (NM_001146291.2).
Identifiers: ClinVar variation 3039339 (VCV003039339.2), dbSNP rs377291882, ClinGen allele CA10393370.